The following is an entry in ClinVar:

NM_000531.6(OTC):c.231G>T (p.Leu77Phe)

Gene: OTC (ornithine transcarbamylase; plus strand). Cytogenetic location: Xp11.4.
Variant type: single nucleotide variant.
Coding change: c.231G>T on transcript NM_000531.6 (MANE Select); coding-DNA position 231, G replaced by T.
Protein change: p.Leu77Phe; replaces leucine 77 with phenylalanine.
Molecular consequence: missense variant.
Genome position (GRCh38, 1-based): chrX:38,369,810, G>T. VCF-style: chrX-38369810-G-T. GRCh37 (hg19) VCF-style: chrX-38229063-G-T.
Other names: short protein forms L77F.
Identifiers: ClinVar variation 97138 (VCV000097138.7), dbSNP rs72554329, ClinGen allele CA224507.
Genomic context (GRCh38, chrX:38,369,810, plus strand): 5'-TATATATAAGATATATTTTAATTCTATTCTTGTCCTTGATTTATAGTATTTGCCTTTATT[G>T]CAAGGGAAGTCCTTAGGCATGATTTTTGAGAAAAGAAGTACTCGAACAAGATTGTCTACA-3'
Protein context (NP_000522.3, residues 67-87): IKQKGEYLPL[Leu77Phe]QGKSLGMIFE

ClinVar aggregate classification (germline): Pathogenic. Review status: criteria provided, single submitter (1 of 4 stars). 2 submissions from 2 submitters: Pathogenic (1). 1 of the submissions does not count toward it. Last evaluated 2022-07-29.

Conditions:
Ornithine carbamoyltransferase deficiency (OTCD). Also called: ORNITHINE TRANSCARBAMYLASE DEFICIENCY, HYPERAMMONEMIA DUE TO; ORNITHINE TRANSCARBAMYLASE DEFICIENCY; OTC DEFICIENCY; Ornithine Carbamoyltransferase Deficiency Disease. Identifiers: Orphanet 664, MedGen C0268542, MONDO:0010703, OMIM 311250.

Submissions (2):

Labcorp Genetics (formerly Invitae), Labcorp
Classification: Pathogenic for Ornithine carbamoyltransferase deficiency. Last evaluated: 2022-07-29. Review status: criteria provided, single submitter. Criteria: Invitae Variant Classification Sherloc (09022015). Collection method: clinical testing. Allele origin: germline.
Comment: This sequence change replaces leucine, which is neutral and non-polar, with phenylalanine, which is neutral and non-polar, at codon 77 of the OTC protein (p.Leu77Phe). This variant is not present in population databases (gnomAD no frequency). For these reasons, this variant has been classified as Pathogenic. Algorithms developed to predict the effect of sequence changes on RNA splicing suggest that this variant may create or strengthen a splice site. Advanced modeling of protein sequence and biophysical properties (such as structural, functional, and spatial information, amino acid conservation, physicochemical variation, residue mobility, and thermodynamic stability) performed at Invitae indicates that this missense variant is expected to disrupt OTC protein function. ClinVar contains an entry for this variant (Variation ID: 97138). This missense change has been observed in individuals with ornithine transcarbamylase deficiency (PMID: 10946359, 28266016, 31130284).

GenMed Metabolism Lab
Classification: Pathogenic. Review status: no assertion criteria provided. Collection method: not provided. Allele origin: unknown. Not counted in ClinVar's aggregate classification.
Comment: p.Leu77Phe, Late
ClinVar note: Converted during submission from pathogenic to Pathogenic.

Literature cited by the submitters: PubMed 10946359 (cited by Labcorp Genetics (formerly Invitae), Labcorp); PubMed 28266016 (cited by Labcorp Genetics (formerly Invitae), Labcorp); PubMed 31130284 (cited by Labcorp Genetics (formerly Invitae), Labcorp).